The following is an entry in ClinVar:

ClinVar aggregate classification (germline): Uncertain significance (1 of 4 stars; one submission).

Submission:

Labcorp Genetics (formerly Invitae), Labcorp
Classification: Uncertain significance. Last evaluated: 2021-08-24. Review status: criteria provided, single submitter. Criteria: Invitae Variant Classification Sherloc (09022015). Collection method: clinical testing. Allele origin: germline.
Comment: This variant is a gross deletion of the genomic region encompassing exon(s) 14-19 of the TFRC gene, which includes the termination codon. This deletion extends beyond the assayed region for this gene and therefore may encompass additional genes. While this deletion is not anticipated to lead to nonsense mediated decay, it is expected to alter mRNA translation or result in a truncated protein product. This variant has not been reported in the literature in individuals affected with TFRC-related conditions. Experimental studies and prediction algorithms are not available or were not evaluated, and the functional significance of this variant is currently unknown. In summary, the available evidence is currently insufficient to determine the role of this variant in disease. Therefore, it has been classified as a Variant of Uncertain Significance.

NC_000003.11:g.(?_195778813)_(195787138_?)del

Gene: TFRC (transferrin receptor; minus strand). Cytogenetic location: 3q29.
Variant type: Deletion.
Identifiers: ClinVar variation 1407193 (VCV001407193.4).